The following is an entry in ClinVar:

NM_000163.5(GHR):c.309T>A (p.Asp103Glu)

Gene: GHR (growth hormone receptor; plus strand). Cytogenetic location: 5p12.
Variant type: single nucleotide variant.
Coding change: c.309T>A on transcript NM_000163.5 (MANE Select); coding-DNA position 309, T replaced by A.
Protein change: p.Asp103Glu; replaces aspartic acid 103 with glutamic acid.
Molecular consequence: missense variant.
Genome position (GRCh38, 1-based): chr5:42,694,959, T>A. VCF-style: chr5-42694959-T-A. GRCh37 (hg19) VCF-style: chr5-42695061-T-A.
Other names: c.330T>A, p.Asp110Glu (NM_001242399.2); c.309T>A, p.Asp103Glu (NM_001242400.2, NM_001242401.4, NM_001242402.2 and 5 more transcripts); c.243T>A, p.Asp81Glu (NM_001242460.2); short protein forms D103E, D110E, D81E.
Identifiers: ClinVar variation 2583168 (VCV002583168.1), dbSNP rs1757600325, ClinGen allele CA359695080.
Genomic context (GRCh38, chr5:42,694,959, plus strand): 5'-TTTAACCCTTCATTTTAGGAACACTCAAGAATGGACTCAAGAATGGAAAGAATGCCCTGA[T>A]TATGTTTCTGCTGGGGAAAACAGCTGTTACTTTAATTCATCGTTTACCTCCATCTGGATA-3'
Protein context (NP_000154.1, residues 93-113): EWTQEWKECP[Asp103Glu]YVSAGENSCY

ClinVar aggregate classification (germline): Uncertain significance (1 of 4 stars; one submission).

Conditions:
Laron-type isolated somatotropin defect. Also called: GROWTH HORMONE RECEPTOR DEFICIENCY; Laron Syndrome; Growth hormone binding protein deficiency or dysfunction; Growth hormone receptor deficiency or dysfunction; Laron dwarfism; Laron type pituitary dwarfism I. Identifiers: Orphanet 633, MedGen C0271568, MONDO:0009877, OMIM 262500.

Submission:

Diagnostics Services (NGS), CSIR - Centre For Cellular And Molecular Biology
Classification: Uncertain significance for Laron-type isolated somatotropin defect. Last evaluated: 2023-10-06. Review status: criteria provided, single submitter. Criteria: ACMG Guidelines, 2015. Collection method: clinical testing. Allele origin: germline. Affected: yes. Observed: 1 variant allele, 1 homozygote.
Comment: The c.309T>A variant is not present in publicly available population databases like 1000 Genomes, EVS, ExAC, gnomAD, Indian Exome Database or our in-house exome database. This variant has neither been published in literature in individuals affected with GHR-related conditions nor reported to the clinical databases like ClinVar, Human Genome Mutation Database (HGMD) or OMIM. In-silico pathogenicity programs like Polyphen-2, MutationTaster2, CADD etc predicted this variant to be likely deleterious, however these predictions were not confirmed by published functional studies. This variant is located in a mutational hotspot region of the gene and a different amino acid change in the same codon (Asp103Asn) has been previously observed in a child affected with Laron syndrome [PMID: 29025428].